The following is an entry in ClinVar:

ClinVar aggregate classification (germline): Benign/Likely benign. Review status: criteria provided, multiple submitters, no conflicts (2 of 4 stars). 3 submissions from 3 submitters: Benign (1); Likely benign (2). Last evaluated 2024-12-17.

Conditions:
Hereditary nonpolyposis colorectal neoplasms. Identifiers: MedGen C0009405, MeSH D003123.
Hereditary cancer-predisposing syndrome. Also called: Hereditary Cancer Syndrome; Hereditary neoplastic syndrome; Neoplastic Syndromes, Hereditary; Tumor predisposition. Identifiers: Orphanet 140162, MedGen C0027672, MeSH D009386, MONDO:0015356.
Lynch syndrome 5 (LYNCH5). Also called: Hereditary non-polyposis colorectal cancer, type 5; Colorectal cancer, hereditary nonpolyposis, type 5. Identifiers: Orphanet 144, MedGen C1833477, MONDO:0013710, OMIM 614350. Disease mechanism: loss of function.

Submissions (3):

Myriad Genetics, Inc.
Classification: Benign for Lynch syndrome 5. Last evaluated: 2024-12-17. Review status: criteria provided, single submitter. Criteria: Myriad Autosomal Dominant, Autosomal Recessive and X-Linked Classification Criteria (2023). Collection method: clinical testing. Allele origin: unknown.
Comment: This variant is considered benign. This variant is a silent/synonymous amino acid change and it is not expected to impact splicing.

Labcorp Genetics (formerly Invitae), Labcorp
Classification: Likely benign for Hereditary nonpolyposis colorectal neoplasms. Last evaluated: 2024-07-09. Review status: criteria provided, single submitter. Criteria: Invitae Variant Classification Sherloc (09022015). Collection method: clinical testing. Allele origin: germline.

Ambry Genetics
Classification: Likely benign for Hereditary cancer-predisposing syndrome. Last evaluated: 2023-02-15. Review status: criteria provided, single submitter. Criteria: Ambry Variant Classification Scheme 2023. Collection method: clinical testing. Allele origin: germline.

NM_000179.3(MSH6):c.168G>T (p.Gly56=)

Gene: MSH6 (mutS homolog 6; plus strand). Cytogenetic location: 2p16.3.
Variant type: single nucleotide variant.
Coding change: c.168G>T on transcript NM_000179.3 (MANE Select); coding-DNA position 168, G replaced by T.
Protein change: p.Gly56=; no amino-acid change (glycine 56 retained).
Molecular consequence: synonymous variant. On other transcripts: 5 prime UTR variant (1).
Genome position (GRCh38, 1-based): chr2:47,783,401, G>T. VCF-style: chr2-47783401-G-T. GRCh37 (hg19) VCF-style: chr2-48010540-G-T.
Other names: c.168G>T, p.Gly56= (NM_001281492.2); c.-569G>T (NM_001281493.2).
Identifiers: ClinVar variation 455149 (VCV000455149.12), dbSNP rs1553408296, ClinGen allele CA346734987.